The following is an entry in ClinVar:

ClinVar aggregate classification (germline): Uncertain significance (1 of 4 stars; one submission).

Conditions:
Hereditary cancer-predisposing syndrome. Also called: Neoplastic Syndromes, Hereditary; Tumor predisposition; Hereditary Cancer Syndrome; Hereditary neoplastic syndrome. Identifiers: Orphanet 140162, MedGen C0027672, MeSH D009386, MONDO:0015356.

gnomAD v4.1: 1 of 1,503,204 alleles (0.000067%); highest among the groups gnomAD compares: East Asian, 0.0023%; no homozygotes.

Submission:

Ambry Genetics
Classification: Uncertain significance for Hereditary cancer-predisposing syndrome. Last evaluated: 2026-02-19. Review status: criteria provided, single submitter. Criteria: Ambry Variant Classification Scheme 2023. Collection method: clinical testing. Allele origin: germline.
Comment: The c.6842-5T>C intronic variant results from a T to C substitution 5 nucleotides upstream from coding exon 11 in the BRCA2 gene. This nucleotide position is well conserved in available vertebrate species. In silico splice site analysis for this alteration is inconclusive. Based on the available evidence, the clinical significance of this variant remains unclear.

NM_000059.4(BRCA2):c.6842-5T>C

Gene: BRCA2 (BRCA2 DNA repair associated; plus strand). Cytogenetic location: 13q13.1.
Variant type: single nucleotide variant.
Coding change: c.6842-5T>C on transcript NM_000059.4 (MANE Select); 5 bases into the intron before coding-DNA position 6842, T replaced by C.
Molecular consequence: intron variant.
Genome position (GRCh38, 1-based): chr13:32,344,553, T>C. VCF-style: chr13-32344553-T-C. GRCh37 (hg19) VCF-style: chr13-32918690-T-C.
Other names: c.6842-5T>C (NM_001432077.1, NM_001406720.1); c.6842-2274T>C (NM_001406719.1); c.1910-5T>C (NM_001406721.1); c.425-5T>C (NM_001406722.1).
Identifiers: ClinVar variation 4830381 (VCV004830381.1).
Genomic context (GRCh38, chr13:32,344,553, plus strand): 5'-AGACTTTTGAGAAATAAAACTGATATTATTTGCCTTAAAAACATATATGAAATATTTCTT[T>C]TTAGGAGAACCCTCAATCAAAAGAAACTTATTAAATGAATTTGACAGGATAATAGAAAAT-3'